The following is an entry in ClinVar:

ClinVar aggregate classification (germline): Likely pathogenic (1 of 4 stars; one submission).

Submission:

Baylor Genetics
Classification: Likely pathogenic. Last evaluated: 2018-11-01. Review status: criteria provided, single submitter. Criteria: ACMG CNV Guidelines, 2011. Collection method: clinical testing. Allele origin: de novo. Observed: 1 variant allele.

GRCh37/hg19 2p16.1-15(chr2:57445335-62733206)

Genes: COMMD1 (copper metabolism domain containing 1; plus strand), FAM161A (FAM161 centrosomal protein A; minus strand), TMEM17 (transmembrane protein 17; minus strand), USP34 (ubiquitin specific peptidase 34; minus strand), VRK2 (VRK serine/threonine kinase 2; plus strand) and 11 more. Cytogenetic location: 2p16.1-15.
Variant type: copy number loss.
Identifiers: ClinVar variation 625544 (VCV000625544.1).